The following is an entry in ClinVar:

ClinVar aggregate classification (germline): Conflicting classifications of pathogenicity. Review status: criteria provided, conflicting classifications (1 of 4 stars). 12 submissions from 12 submitters: Uncertain significance (1); Likely benign (8). 3 of the submissions do not count toward it. Last evaluated 2026-01-11.

Conditions:
Cutis laxa, autosomal recessive, type 1B (ARCL1B). Also called: CUTIS LAXA, AUTOSOMAL RECESSIVE, TYPE IB; EFEMP2-Related Cutis Laxa. Identifiers: Orphanet 90349, MedGen C3280798, MONDO:0013754, OMIM 614437. Disease mechanism: loss of function.
Cardiovascular phenotype. Identifiers: MedGen CN230736.
EFEMP2-related disorder. Also called: EFEMP2-related condition.

Allele frequency attached by ClinVar (database versions not stated): TOPMed 0.00023; ESP Exome Variant Server 0.00031; gnomAD 0.00012 and 0.00016; ExAC 0.00013.
gnomAD v4.1: 481 of 1,613,818 alleles (0.03%); highest among the groups gnomAD compares: Non-Finnish European, 0.039%; no homozygotes.

Submissions (12):

Labcorp Genetics (formerly Invitae), Labcorp
Classification: Likely benign for Cutis laxa, autosomal recessive, type 1B. Last evaluated: 2026-01-11. Review status: criteria provided, single submitter. Criteria: Invitae Variant Classification Sherloc (09022015). Collection method: clinical testing. Allele origin: germline.

Women's Health and Genetics/Laboratory Corporation of America, LabCorp
Classification: Likely benign. Last evaluated: 2024-07-21. Review status: criteria provided, single submitter. Criteria: LabCorp Variant Classification Summary - May 2015. Collection method: clinical testing. Allele origin: germline.

CeGaT Center for Human Genetics Tuebingen
Classification: Likely benign. Last evaluated: 2024-05-01. Review status: criteria provided, single submitter. Criteria: CeGaT Center For Human Genetics Tuebingen Variant Classification Criteria Version 2. Collection method: clinical testing. Allele origin: germline. Affected: yes. Observed: 1 variant allele.
Comment: EFEMP2: BP4, BP7

Blueprint Genetics
Classification: Likely benign. Last evaluated: 2024-02-07. Review status: criteria provided, single submitter. Criteria: ACMG Guidelines, 2015. Collection method: clinical testing. Allele origin: germline.

ARUP Laboratories, Molecular Genetics and Genomics, ARUP Laboratories
Classification: Likely benign for Cutis laxa, autosomal recessive, type 1B. Last evaluated: 2023-04-06. Review status: criteria provided, single submitter. Criteria: ARUP Molecular Germline Variant Investigation Process 2024. Collection method: clinical testing. Allele origin: germline.

GeneDx
Classification: Likely benign. Last evaluated: 2021-03-25. Review status: criteria provided, single submitter. Criteria: GeneDx Variant Classification Process June 2021. Collection method: clinical testing. Allele origin: germline. Affected: yes.

Ambry Genetics
Classification: Likely benign for Cardiovascular phenotype. Last evaluated: 2020-02-12. Review status: criteria provided, single submitter. Criteria: Ambry Variant Classification Scheme 2023. Collection method: clinical testing. Allele origin: germline.

Illumina Laboratory Services, Illumina
Classification: Uncertain significance for Cutis laxa, autosomal recessive, type 1B. Last evaluated: 2018-01-13. Review status: criteria provided, single submitter. Criteria: ICSL Variant Classification Criteria 13 December 2019. Collection method: clinical testing. Allele origin: germline.

Clinical Genetics DNA and cytogenetics Diagnostics Lab, Erasmus MC, Erasmus Medical Center
Classification: Likely benign for Cutis laxa, autosomal recessive, type 1B. Last evaluated: 2017-06-28. Review status: criteria provided, single submitter. Criteria: ACGS Guidelines, 2013. Collection method: clinical testing. Allele origin: germline. Affected: yes. Study: VKGL Data-share Consensus.

PreventionGenetics, part of Exact Sciences
Classification: Likely benign for EFEMP2-related condition. Last evaluated: 2020-05-07. Review status: no assertion criteria provided. Collection method: clinical testing. Allele origin: germline. Not counted in ClinVar's aggregate classification.
Comment: This variant is classified as likely benign based on ACMG/AMP sequence variant interpretation guidelines (Richards et al. 2015 PMID: 25741868, with internal and published modifications).

Genome Diagnostics Laboratory, Amsterdam University Medical Center
Classification: Likely benign for Cutis laxa, autosomal recessive, type 1B. Last evaluated: 2016-11-01. Review status: no assertion criteria provided. Criteria: ACGS Guidelines, 2013. Collection method: clinical testing. Allele origin: germline. Affected: yes. Study: VKGL Data-share Consensus. Not counted in ClinVar's aggregate classification.

Joint Genome Diagnostic Labs from Nijmegen and Maastricht, Radboudumc and MUMC+
Classification: Likely benign. Review status: no assertion criteria provided. Collection method: clinical testing. Allele origin: germline. Affected: yes. Study: VKGL Data-share Consensus. Not counted in ClinVar's aggregate classification.

NM_016938.5(EFEMP2):c.885C>T (p.Ser295=)

Gene: EFEMP2 (EGF-like fibulin extracellular matrix protein 2; minus strand). Cytogenetic location: 11q13.1.
Variant type: single nucleotide variant.
Coding change: c.885C>T on transcript NM_016938.5 (MANE Select); coding-DNA position 885, C replaced by T.
Protein change: p.Ser295=; no amino-acid change (serine 295 retained).
Molecular consequence: synonymous variant. On other transcripts: non-coding transcript variant (1).
Genome position (GRCh38, 1-based): chr11:65,868,384, G>A on the plus strand (C>T on the coding strand, the complement: EFEMP2 is on the minus strand). VCF-style: chr11-65868384-G-A. GRCh37 (hg19) VCF-style: chr11-65635855-G-A.
Identifiers: ClinVar variation 305380 (VCV000305380.50), dbSNP rs142509316, ClinGen allele CA6110491.